The following is an entry in ClinVar:

ClinVar aggregate classification (germline): Uncertain significance (1 of 4 stars; one submission).

Submission:

GeneDx
Classification: Uncertain significance. Last evaluated: 2022-01-17. Review status: criteria provided, single submitter. Criteria: GeneDx Variant Classification Process June 2021. Collection method: clinical testing. Allele origin: germline. Affected: yes.
Comment: Not observed at significant frequency in large population cohorts (gnomAD); In silico analysis supports that this missense variant has a deleterious effect on protein structure/function; Has not been previously published as pathogenic or benign to our knowledge

NM_002941.4(ROBO1):c.3682G>T (p.Asp1228Tyr)

Gene: ROBO1 (roundabout guidance receptor 1; minus strand). Cytogenetic location: 3p12.3.
Variant type: single nucleotide variant.
Coding change: c.3682G>T on transcript NM_002941.4 (MANE Select); coding-DNA position 3682, G replaced by T.
Protein change: p.Asp1228Tyr; replaces aspartic acid 1228 with tyrosine.
Molecular consequence: missense variant.
Genome position (GRCh38, 1-based): chr3:78,627,514, C>A on the plus strand (G>T on the coding strand, the complement: ROBO1 is on the minus strand). VCF-style: chr3-78627514-C-A. GRCh37 (hg19) VCF-style: chr3-78676664-C-A.
Other names: c.3382G>T, p.Asp1128Tyr (NM_001145845.2); c.3547G>T, p.Asp1183Tyr (NM_133631.4); short protein forms D1128Y, D1183Y, D1228Y.
Identifiers: ClinVar variation 1697126 (VCV001697126.2), dbSNP rs2107479764, ClinGen allele CA353650412.